The following is an entry in ClinVar:

ClinVar aggregate classification (germline): Uncertain significance (1 of 4 stars; one submission).

Allele frequency attached by ClinVar (database versions not stated): gnomAD exomes below 0.00001.
gnomAD v4.1: 3 of 1,613,470 alleles (0.00019%); highest among the groups gnomAD compares: South Asian, 0.0011%; no homozygotes.

Submission:

GeneDx
Classification: Uncertain significance. Last evaluated: 2022-12-16. Review status: criteria provided, single submitter. Criteria: GeneDx Variant Classification Process June 2021. Collection method: clinical testing. Allele origin: germline. Affected: yes.
Comment: Not observed at significant frequency in large population cohorts (gnomAD); In silico analysis supports that this missense variant does not alter protein structure/function; Has not been previously published as pathogenic or benign to our knowledge

NM_004380.3(CREBBP):c.6598C>G (p.Gln2200Glu)

Gene: CREBBP (CREB binding protein; minus strand). Cytogenetic location: 16p13.3.
Variant type: single nucleotide variant.
Coding change: c.6598C>G on transcript NM_004380.3 (MANE Select); coding-DNA position 6598, C replaced by G.
Protein change: p.Gln2200Glu; replaces glutamine 2200 with glutamic acid.
Molecular consequence: missense variant.
Genome position (GRCh38, 1-based): chr16:3,728,449, G>C on the plus strand (C>G on the coding strand, the complement: CREBBP is on the minus strand). VCF-style: chr16-3728449-G-C. GRCh37 (hg19) VCF-style: chr16-3778450-G-C.
Other names: c.6484C>G, p.Gln2162Glu (NM_001079846.1); short protein forms Q2162E, Q2200E.
Identifiers: ClinVar variation 2505598 (VCV002505598.1), dbSNP rs2051811675, ClinGen allele CA394552364.